The following is an entry in ClinVar:

ClinVar aggregate classification (germline): Benign (1 of 4 stars; one submission).

Allele frequency attached by ClinVar (database versions not stated): gnomAD 0.04506 and 0.04817; TOPMed 0.05035; 1000 Genomes Project 0.05252; 1000 Genomes Project 30x 0.05653.
gnomAD v4.1: 6,781 of 152,256 alleles (4.5%); highest among the groups gnomAD compares: African/African-American, 16%; 510 homozygotes.

Submission:

GeneDx
Classification: Benign. Last evaluated: 2018-06-14. Review status: criteria provided, single submitter. Criteria: GeneDx Variant Classification (06012015). Collection method: clinical testing. Allele origin: germline. Affected: yes.
Comment: This variant is considered likely benign or benign based on one or more of the following criteria: it is a conservative change, it occurs at a poorly conserved position in the protein, it is predicted to be benign by multiple in silico algorithms, and/or has population frequency not consistent with disease.

NM_012233.3(RAB3GAP1):c.830+172C>T

Gene: RAB3GAP1 (RAB3 GTPase activating protein catalytic subunit 1; plus strand). Cytogenetic location: 2q21.3.
Variant type: single nucleotide variant.
Coding change: c.830+172C>T on transcript NM_012233.3 (MANE Select); 172 bases into the intron after coding-DNA position 830, C replaced by T.
Molecular consequence: intron variant.
Genome position (GRCh38, 1-based): chr2:135,124,418, C>T. VCF-style: chr2-135124418-C-T. GRCh37 (hg19) VCF-style: chr2-135881988-C-T.
Other names: c.830+172C>T (NM_001172435.2).
Identifiers: ClinVar variation 678393 (VCV000678393.1), dbSNP rs112462932, ClinGen allele CA56574583.